The following is an entry in ClinVar:

ClinVar aggregate classification (germline): Uncertain significance. Review status: criteria provided, multiple submitters, no conflicts (2 of 4 stars). 2 submissions from 2 submitters: Uncertain significance (2). Last evaluated 2025-10-05.

Conditions:
Cardiovascular phenotype. Identifiers: MedGen CN230736.
Progressive familial heart block type IB (PFHB1B). Identifiers: Orphanet 871, MedGen C1970298, MONDO:0011474, OMIM 604559.

gnomAD v4.1: 15 of 1,613,916 alleles (0.00093%); highest among the groups gnomAD compares: Admixed American, 0.005%; no homozygotes.

Submissions (2):

Ambry Genetics
Classification: Uncertain significance for Cardiovascular phenotype. Last evaluated: 2025-10-05. Review status: criteria provided, single submitter. Criteria: Ambry Variant Classification Scheme 2023. Collection method: clinical testing. Allele origin: germline.
Comment: The p.A1137S variant (also known as c.3409G>T), located in coding exon 22 of the TRPM4 gene, results from a G to T substitution at nucleotide position 3409. The alanine at codon 1137 is replaced by serine, an amino acid with similar properties. This amino acid position is conserved. In addition, this alteration is predicted to be tolerated by in silico analysis. Based on the available evidence, the clinical significance of this variant remains unclear.

Labcorp Genetics (formerly Invitae), Labcorp
Classification: Uncertain significance for Progressive familial heart block type IB. Last evaluated: 2024-11-26. Review status: criteria provided, single submitter. Criteria: Invitae Variant Classification Sherloc (09022015). Collection method: clinical testing. Allele origin: germline.
Comment: This sequence change replaces alanine, which is neutral and non-polar, with serine, which is neutral and polar, at codon 1137 of the TRPM4 protein (p.Ala1137Ser). This variant is present in population databases (rs539470039, gnomAD 0.006%). This variant has not been reported in the literature in individuals affected with TRPM4-related conditions. An algorithm developed to predict the effect of missense changes on protein structure and function (PolyPhen-2) suggests that this variant is likely to be tolerated. In summary, the available evidence is currently insufficient to determine the role of this variant in disease. Therefore, it has been classified as a Variant of Uncertain Significance.

NM_017636.4(TRPM4):c.3409G>T (p.Ala1137Ser)

Gene: TRPM4 (transient receptor potential cation channel subfamily M member 4; plus strand). Cytogenetic location: 19q13.33.
Variant type: single nucleotide variant.
Coding change: c.3409G>T on transcript NM_017636.4 (MANE Select); coding-DNA position 3409, G replaced by T.
Protein change: p.Ala1137Ser; replaces alanine 1137 with serine.
Molecular consequence: missense variant.
Genome position (GRCh38, 1-based): chr19:49,210,790, G>T. VCF-style: chr19-49210790-G-T. GRCh37 (hg19) VCF-style: chr19-49714047-G-T.
Other names: c.2974G>T, p.Ala992Ser (NM_001195227.2); c.3064G>T, p.Ala1022Ser (NM_001321281.2); c.1801G>T, p.Ala601Ser (NM_001321282.2); c.2887G>T, p.Ala963Ser (NM_001321283.2); c.2347G>T, p.Ala783Ser (NM_001321285.2); short protein forms A1022S, A963S, A601S, A992S, A1137S, A783S.
Identifiers: ClinVar variation 3329263 (VCV003329263.4).